The following is an entry in ClinVar:

ClinVar aggregate classification (germline): Uncertain significance (1 of 4 stars; one submission).

Conditions:
Hereditary cancer-predisposing syndrome. Also called: Neoplastic Syndromes, Hereditary; Tumor predisposition; Hereditary Cancer Syndrome; Hereditary neoplastic syndrome. Identifiers: Orphanet 140162, MedGen C0027672, MeSH D009386, MONDO:0015356.

Submission:

Ambry Genetics
Classification: Uncertain significance for Hereditary cancer-predisposing syndrome. Last evaluated: 2020-08-06. Review status: criteria provided, single submitter. Criteria: Ambry Variant Classification Scheme 2023. Collection method: clinical testing. Allele origin: germline.
Comment: The p.P230R variant (also known as c.689C>G), located in coding exon 3 of the SMARCA4 gene, results from a C to G substitution at nucleotide position 689. The proline at codon 230 is replaced by arginine, an amino acid with dissimilar properties. This amino acid position is highly conserved in available vertebrate species. In addition, the in silico prediction for this alteration is inconclusive. Since supporting evidence is limited at this time, the clinical significance of this alteration remains unclear.

NM_003072.5(SMARCA4):c.689C>G (p.Pro230Arg)

Gene: SMARCA4 (SWI/SNF related BAF chromatin remodeling complex subunit ATPase 4; plus strand). Cytogenetic location: 19p13.2.
Variant type: single nucleotide variant.
Coding change: c.689C>G on transcript NM_003072.5 (MANE Select); coding-DNA position 689, C replaced by G.
Protein change: p.Pro230Arg; replaces proline 230 with arginine.
Molecular consequence: missense variant. On other transcripts: non-coding transcript variant (1).
Genome position (GRCh38, 1-based): chr19:10,986,522, C>G. VCF-style: chr19-10986522-C-G. GRCh37 (hg19) VCF-style: chr19-11097198-C-G.
Other names: c.689C>G, p.Pro230Arg (NM_001128844.3, NM_001128845.2, NM_001128846.2 and 6 more transcripts); short protein forms P230R.
Identifiers: ClinVar variation 1756028 (VCV001756028.2), dbSNP rs2145783429, ClinGen allele CA404057006.